The following is an entry in ClinVar:

ClinVar aggregate classification (germline): Uncertain significance (1 of 4 stars; one submission).

Conditions:
Rienhoff syndrome. Also called: LOEYS-DIETZ SYNDROME 5. Identifiers: MedGen C3810012, MONDO:0014262, OMIM 615582.

Submission:

Labcorp Genetics (formerly Invitae), Labcorp
Classification: Uncertain significance for Rienhoff syndrome. Last evaluated: 2017-10-31. Review status: criteria provided, single submitter. Criteria: Invitae Variant Classification Sherloc (09022015). Collection method: clinical testing. Allele origin: germline.
Comment: Algorithms developed to predict the effect of missense changes on protein structure and function do not agree on the potential impact of this missense change (SIFT: "Deleterious"; PolyPhen-2: "Probably Damaging"; Align-GVGD: "Class C0"). Algorithms developed to predict the effect of sequence changes on RNA splicing suggest that this variant may create or strengthen a splice site, but this prediction has not been confirmed by published transcriptional studies. In summary, the available evidence is currently insufficient to determine the role of this variant in disease. Therefore, it has been classified as a Variant of Uncertain Significance. This variant has not been reported in the literature in individuals with TGFB3-related disease. This variant is not present in population databases (ExAC no frequency). This sequence change replaces arginine with serine at codon 297 of the TGFB3 protein (p.Arg297Ser). The arginine residue is highly conserved and there is a moderate physicochemical difference between arginine and serine.

NM_003239.5(TGFB3):c.891G>T (p.Arg297Ser)

Gene: TGFB3 (transforming growth factor beta 3; minus strand). Cytogenetic location: 14q24.3.
Variant type: single nucleotide variant.
Coding change: c.891G>T on transcript NM_003239.5 (MANE Select); coding-DNA position 891, G replaced by T.
Protein change: p.Arg297Ser; replaces arginine 297 with serine.
Molecular consequence: missense variant.
Genome position (GRCh38, 1-based): chr14:75,963,351, C>A on the plus strand (G>T on the coding strand, the complement: TGFB3 is on the minus strand). VCF-style: chr14-75963351-C-A. GRCh37 (hg19) VCF-style: chr14-76429694-C-A.
Other names: c.891G>T, p.Arg297Ser (NM_001329938.2, NM_001329939.2); short protein forms R297S.
Identifiers: ClinVar variation 543953 (VCV000543953.9), dbSNP rs773168068, ClinGen allele CA390468242.